The following is an entry in ClinVar:

ClinVar aggregate classification (germline): Likely benign (0 of 4 stars; one submission).

Conditions:
APBA2-related disorder. Also called: APBA2-related condition.

Allele frequency attached by ClinVar (database versions not stated): gnomAD exomes 0.00005; TOPMed 0.00007; ExAC 0.00010; gnomAD 0.00015; 1000 Genomes Project 30x 0.00016; 1000 Genomes Project 0.00020.
gnomAD v4.1: 102 of 1,613,028 alleles (0.0063%); highest among the groups gnomAD compares: Admixed American, 0.018%; no homozygotes.

Submission:

PreventionGenetics, part of Exact Sciences
Classification: Likely benign for APBA2-related condition. Last evaluated: 2019-04-05. Review status: no assertion criteria provided. Collection method: clinical testing. Allele origin: germline.
Comment: This variant is classified as likely benign based on ACMG/AMP sequence variant interpretation guidelines (Richards et al. 2015 PMID: 25741868, with internal and published modifications).

NM_001353788.2(APBA2):c.1842C>T (p.Ile614=)

Gene: APBA2 (amyloid beta precursor protein binding family A member 2; plus strand). Cytogenetic location: 15q13.1.
Variant type: single nucleotide variant.
Coding change: c.1842C>T on transcript NM_001353788.2 (MANE Select); coding-DNA position 1842, C replaced by T.
Protein change: p.Ile614=; no amino-acid change (isoleucine 614 retained).
Molecular consequence: synonymous variant.
Genome position (GRCh38, 1-based): chr15:29,106,744, C>T. VCF-style: chr15-29106744-C-T. GRCh37 (hg19) VCF-style: chr15-29398947-C-T.
Other names: c.1806C>T, p.Ile602= (NM_001130414.1, NM_001353792.2, NM_001353793.2 and 1 more transcripts); c.1842C>T, p.Ile614= (NM_001353789.2, NM_001353790.2, NM_001353791.2 and 3 more transcripts); c.954C>T, p.Ile318= (NM_001353796.2); c.918C>T, p.Ile306= (NM_001353797.2).
Identifiers: ClinVar variation 3045230 (VCV003045230.2), dbSNP rs199855567, ClinGen allele CA7445572.